The following is an entry in ClinVar:

NM_001308093.3(GATA4):c.191G>T (p.Gly64Val)

Gene: GATA4 (GATA binding protein 4). Cytogenetic location: 8p23.1.
Variant type: single nucleotide variant.
Coding change: c.191G>T on transcript NM_001308093.3 (MANE Select); coding-DNA position 191, G replaced by T.
Protein change: p.Gly64Val; replaces glycine 64 with valine.
Molecular consequence: missense variant. On other transcripts: intron variant (3).
Genome position (GRCh38, 1-based): chr8:11,708,503, G>T. VCF-style: chr8-11708503-G-T. GRCh37 (hg19) VCF-style: chr8-11566012-G-T.
Other names: c.191G>T, p.Gly64Val (NM_002052.5); c.-6+7725G>T (NM_001308094.2); c.-3+489G>T (NM_001374274.1); c.-3+4199G>T (NM_001374273.1); short protein forms G64V.
Identifiers: ClinVar variation 2012121 (VCV002012121.4), dbSNP rs1249347695, ClinGen allele CA370309120.
Genomic context (GRCh38, chr8:11,708,503, plus strand): 5'-TGCCCTCCTCCGTGCTGGGCCTGTCCTACCTCCAGGGCGGAGGCGCGGGCTCTGCGTCCG[G>T]AGGCGCCTCGGGCGGCAGCTCCGGTGGGGCCGCGTCTGGTGCGGGGCCCGGGACCCAGCA-3'
Protein context (NP_001295022.1, residues 54-74): LQGGGAGSAS[Gly64Val]GASGGSSGGA

ClinVar aggregate classification (germline): Uncertain significance (1 of 4 stars; one submission).

Conditions:
Atrioventricular septal defect 4 (AVSD4). Identifiers: MedGen C3280781, MONDO:0013747, OMIM 614430.

Submission:

Labcorp Genetics (formerly Invitae), Labcorp
Classification: Uncertain significance for Atrioventricular septal defect 4. Last evaluated: 2022-06-29. Review status: criteria provided, single submitter. Criteria: Invitae Variant Classification Sherloc (09022015). Collection method: clinical testing. Allele origin: germline.
Comment: This sequence change replaces glycine, which is neutral and non-polar, with valine, which is neutral and non-polar, at codon 64 of the GATA4 protein (p.Gly64Val). This variant is not present in population databases (gnomAD no frequency). This variant has not been reported in the literature in individuals affected with GATA4-related conditions. Algorithms developed to predict the effect of missense changes on protein structure and function are either unavailable or do not agree on the potential impact of this missense change (SIFT: "Tolerated"; PolyPhen-2: "Probably Damaging"; Align-GVGD: "Class C0"). In summary, the available evidence is currently insufficient to determine the role of this variant in disease. Therefore, it has been classified as a Variant of Uncertain Significance.